The following is an entry in ClinVar:

ClinVar aggregate classification (germline): Likely benign (1 of 4 stars; one submission).

Allele frequency attached by ClinVar (database versions not stated): gnomAD exomes below 0.00001.

Submission:

CeGaT Center for Human Genetics Tuebingen
Classification: Likely benign. Last evaluated: 2023-07-01. Review status: criteria provided, single submitter. Criteria: CeGaT Center For Human Genetics Tuebingen Variant Classification Criteria Version 2. Collection method: clinical testing. Allele origin: germline. Affected: yes. Observed: 1 variant allele.
Comment: POLR2A: PM2:Supporting, BP4, BP7

NM_000937.5(POLR2A):c.684C>T (p.Ile228=)

Gene: POLR2A (RNA polymerase II subunit A; plus strand). Cytogenetic location: 17p13.1.
Variant type: single nucleotide variant.
Coding change: c.684C>T on transcript NM_000937.5 (MANE Select); coding-DNA position 684, C replaced by T.
Protein change: p.Ile228=; no amino-acid change (isoleucine 228 retained).
Molecular consequence: synonymous variant.
Genome position (GRCh38, 1-based): chr17:7,496,910, C>T. VCF-style: chr17-7496910-C-T. GRCh37 (hg19) VCF-style: chr17-7400229-C-T.
Identifiers: ClinVar variation 2647341 (VCV002647341.24), dbSNP rs2508107639, ClinGen allele CA497944240.
Genomic context (GRCh38, chr17:7,496,910, plus strand): 5'-CTCTCAGGAGAAGAAGATCCTGCTGAGTCCAGAGCGAGTGCATGAGATCTTCAAACGCAT[C>T]TCAGATGAGGAGTGTTTTGTGCTGGGCATGGAGCCCCGCTATGCACGGCCAGAGTGGATG-3'
Protein context (NP_000928.1, residues 218-238): PERVHEIFKR[Ile228=]SDEECFVLGM